The following is an entry in ClinVar:

ClinVar aggregate classification (germline): Uncertain significance (1 of 4 stars; one submission).

Conditions:
Autosomal recessive ataxia, Beauce type. Also called: SYNE1-Related Autosomal Recessive Cerebellar Ataxia; Spinocerebellar ataxia, autosomal recessive 8; ATAXIA, RECESSIVE, OF BEAUCE; SYNE1 Deficiency. Identifiers: Orphanet 88644, MedGen C1853116, MONDO:0012549, OMIM 610743.
Emery-Dreifuss muscular dystrophy 4, autosomal dominant (EDMD4). Also called: EMERY-DREIFUSS MUSCULAR DYSTROPHY 4 WITH VARIABLE FEATURES. Identifiers: Orphanet 261, MedGen C2751807, MONDO:0013071, OMIM 612998.

gnomAD v4.1: 1 of 1,614,172 alleles (0.000062%); highest among the groups gnomAD compares: Non-Finnish European, 0.000085%; no homozygotes.

Submission:

Labcorp Genetics (formerly Invitae), Labcorp
Classification: Uncertain significance for Emery-Dreifuss muscular dystrophy 4, autosomal dominant; Autosomal recessive ataxia, Beauce type. Last evaluated: 2022-06-16. Review status: criteria provided, single submitter. Criteria: Invitae Variant Classification Sherloc (09022015). Collection method: clinical testing. Allele origin: germline.
Comment: In summary, the available evidence is currently insufficient to determine the role of this variant in disease. Therefore, it has been classified as a Variant of Uncertain Significance. Algorithms developed to predict the effect of missense changes on protein structure and function are either unavailable or do not agree on the potential impact of this missense change (SIFT: "Deleterious"; PolyPhen-2: "Benign"; Align-GVGD: "Class C0"). This variant has not been reported in the literature in individuals affected with SYNE1-related conditions. This variant is not present in population databases (gnomAD no frequency). This sequence change replaces isoleucine, which is neutral and non-polar, with leucine, which is neutral and non-polar, at codon 2393 of the SYNE1 protein (p.Ile2393Leu).

NM_182961.4(SYNE1):c.7156A>T (p.Ile2386Leu)

Gene: SYNE1 (spectrin repeat containing nuclear envelope protein 1; minus strand). Cytogenetic location: 6q25.2.
Variant type: single nucleotide variant.
Coding change: c.7156A>T on transcript NM_182961.4 (MANE Select); coding-DNA position 7156, A replaced by T.
Protein change: p.Ile2386Leu; replaces isoleucine 2386 with leucine.
Molecular consequence: missense variant.
Genome position (GRCh38, 1-based): chr6:152,399,697, T>A on the plus strand (A>T on the coding strand, the complement: SYNE1 is on the minus strand). VCF-style: chr6-152399697-T-A. GRCh37 (hg19) VCF-style: chr6-152720832-T-A.
Other names: c.7177A>T, p.Ile2393Leu (NM_033071.5); short protein forms I2393L, I2386L.
Identifiers: ClinVar variation 2133666 (VCV002133666.4), dbSNP rs147947903, ClinGen allele CA366117819.